The following is an entry in ClinVar:

ClinVar aggregate classification (germline): Uncertain significance. Review status: criteria provided, multiple submitters, no conflicts (2 of 4 stars). 2 submissions from 2 submitters: Uncertain significance (2). Last evaluated 2024-06-10.

Conditions:
PLXNA4-related disorder. Also called: PLXNA4-related condition.

Allele frequency attached by ClinVar (database versions not stated): gnomAD 0.00001; gnomAD exomes 0.00001.
gnomAD v4.1: 5 of 1,613,994 alleles (0.00031%); highest among the groups gnomAD compares: Admixed American, 0.0067%; no homozygotes.

Submissions (2):

Ambry Genetics
Classification: Uncertain significance. Last evaluated: 2024-06-10. Review status: criteria provided, single submitter. Criteria: Ambry Variant Classification Scheme 2023. Collection method: clinical testing. Allele origin: germline.

PreventionGenetics, part of Exact Sciences
Classification: Uncertain significance for PLXNA4-related condition. Last evaluated: 2022-12-07. Review status: criteria provided, single submitter. Criteria: ACMG Guidelines, 2015. Collection method: clinical testing. Allele origin: germline.
Comment: The PLXNA4 c.1823A>G variant is predicted to result in the amino acid substitution p.Asn608Ser. To our knowledge, this variant has not been reported in the literature. This variant is reported in 0.0085% of alleles in individuals of Latino descent in gnomAD. At this time, the clinical significance of this variant is uncertain due to the absence of conclusive functional and genetic evidence.

NM_020911.2(PLXNA4):c.1823A>G (p.Asn608Ser)

Gene: PLXNA4 (plexin A4; minus strand). Cytogenetic location: 7q32.3.
Variant type: single nucleotide variant.
Coding change: c.1823A>G on transcript NM_020911.2 (MANE Select); coding-DNA position 1823, A replaced by G.
Protein change: p.Asn608Ser; replaces asparagine 608 with serine.
Molecular consequence: missense variant.
Genome position (GRCh38, 1-based): chr7:132,227,510, T>C on the plus strand (A>G on the coding strand, the complement: PLXNA4 is on the minus strand). VCF-style: chr7-132227510-T-C. GRCh37 (hg19) VCF-style: chr7-131912269-T-C.
Other names: c.1823A>G, p.Asn608Ser (NM_001393897.1); short protein forms N608S.
Identifiers: ClinVar variation 2628821 (VCV002628821.2), dbSNP rs1225871847, ClinGen allele CA369313975.